The following is an entry in ClinVar:

NM_000391.4(TPP1):c.1012C>T (p.Gln338Ter)

Gene: TPP1 (tripeptidyl peptidase 1; minus strand). Cytogenetic location: 11p15.4.
Variant type: single nucleotide variant.
Coding change: c.1012C>T on transcript NM_000391.4 (MANE Select); coding-DNA position 1012, C replaced by T.
Protein change: p.Gln338Ter; replaces glutamine 338 with a stop codon.
Molecular consequence: nonsense.
Genome position (GRCh38, 1-based): chr11:6,616,378, G>A on the plus strand (C>T on the coding strand, the complement: TPP1 is on the minus strand). VCF-style: chr11-6616378-G-A. GRCh37 (hg19) VCF-style: chr11-6637609-G-A.
Other names: short protein forms Q338*.
Identifiers: ClinVar variation 1708149 (VCV001708149.1), dbSNP rs2493798203, ClinGen allele CA379474160.

ClinVar aggregate classification (germline): Likely pathogenic (1 of 4 stars; one submission).

Conditions:
Neuronal ceroid lipofuscinosis 2. Also called: JANSKY-BIELSCHOWSKY DISEASE NEURONAL CEROID LIPOFUSCINOSIS, LATE INFANTILE; TPP1-Related Neuronal Ceroid-Lipofuscinosis. Identifiers: Orphanet 168491, Orphanet 228349, Orphanet 79264, MedGen C1876161, MONDO:0008769, OMIM 204500.

Submission:

Laboratory of Medical Genetics, National & Kapodistrian University of Athens
Classification: Likely pathogenic for Neuronal ceroid lipofuscinosis 2. Last evaluated: 2022-04-20. Review status: criteria provided, single submitter. Criteria: ACMG Guidelines, 2015. Collection method: clinical testing. Allele origin: maternal. Affected: yes.
Comment: PVS1, PM2